The following is an entry in ClinVar:

ClinVar aggregate classification (germline): Uncertain significance. Review status: criteria provided, multiple submitters, no conflicts (2 of 4 stars). 3 submissions from 3 submitters: Uncertain significance (3). Last evaluated 2025-11-05.

Conditions:
Hereditary cancer-predisposing syndrome. Also called: Hereditary Cancer Syndrome; Hereditary neoplastic syndrome; Neoplastic Syndromes, Hereditary; Tumor predisposition. Identifiers: Orphanet 140162, MedGen C0027672, MeSH D009386, MONDO:0015356.

Submissions (3):

Labcorp Genetics (formerly Invitae), Labcorp
Classification: Uncertain significance. Last evaluated: 2025-11-05. Review status: criteria provided, single submitter. Criteria: Invitae Variant Classification Sherloc (09022015). Collection method: clinical testing. Allele origin: germline.
Comment: This sequence change replaces glycine, which is neutral and non-polar, with alanine, which is neutral and non-polar, at codon 2179 of the POLE protein (p.Gly2179Ala). This variant is present in population databases (no rsID available, gnomAD 0.0008%). This variant has not been reported in the literature in individuals affected with POLE-related conditions. ClinVar contains an entry for this variant (Variation ID: 405638). An algorithm developed to predict the effect of missense changes on protein structure and function (PolyPhen-2) suggests that this variant is likely to be tolerated. In summary, the available evidence is currently insufficient to determine the role of this variant in disease. Therefore, it has been classified as a Variant of Uncertain Significance.

Ambry Genetics
Classification: Uncertain significance for Hereditary cancer-predisposing syndrome. Last evaluated: 2024-12-11. Review status: criteria provided, single submitter. Criteria: Ambry Variant Classification Scheme 2023. Collection method: clinical testing. Allele origin: germline.
Comment: The c.6536_6537delGGinsCT variant (also known as p.G2179A), located in coding exon 47 of the POLE gene, results from an in-frame deletion of GG and insertion of CT at nucleotide positions 6536 to 6537. This results in the substitution of the glycine residue for an alanine residue at codon 2179, an amino acid with similar properties. This amino acid position is well conserved in available vertebrate species. In addition, this alteration is predicted to be neutral by in silico analysis (Choi Y et al. PLoS ONE. 2012; 7(10):e46688). Based on the available evidence, the clinical significance of this variant remains unclear.

GeneDx
Classification: Uncertain significance. Last evaluated: 2023-12-12. Review status: criteria provided, single submitter. Criteria: GeneDx Variant Classification Process June 2021. Collection method: clinical testing. Allele origin: germline. Affected: yes.
Comment: Not observed at significant frequency in large population cohorts (gnomAD); In silico analysis supports a deleterious effect on protein structure/function; Has not been previously published as pathogenic or benign to our knowledge; This variant is associated with the following publications: (PMID: 19296856)

NM_006231.4(POLE):c.6536_6537delinsCT (p.Gly2179Ala)

Gene: POLE (DNA polymerase epsilon, catalytic subunit; minus strand). Cytogenetic location: 12q24.33.
Variant type: Indel.
Coding change: c.6536_6537delinsCT on transcript NM_006231.4 (MANE Select); coding-DNA positions 6536 to 6537, GG replaced by CT.
Protein change: p.Gly2179Ala; replaces glycine 2179 with alanine.
Molecular consequence: missense variant.
Genome position (GRCh38, 1-based): chr12:132,625,765-132,625,766, CC replaced by AG on the plus strand (GG replaced by CT on the coding strand, the reverse complement: POLE is on the minus strand). VCF-style: chr12-132625765-CC-AG. GRCh37 (hg19) VCF-style: chr12-133202351-CC-AG.
Other names: c.6536_6537delinsCT (NM_006231.2); c.6536_6537delGGinsCT (NM_006231.2); short protein forms G2179A.
Identifiers: ClinVar variation 405638 (VCV000405638.11), dbSNP rs1060500789, ClinGen allele CA16613757.